The following is an entry in ClinVar:

NM_006648.4(WNK2):c.4741A>G (p.Arg1581Gly)

Gene: WNK2 (WNK lysine deficient protein kinase 2; plus strand). Cytogenetic location: 9q22.31.
Variant type: single nucleotide variant.
Coding change: c.4741A>G on transcript NM_006648.4 (MANE Select); coding-DNA position 4741, A replaced by G.
Protein change: p.Arg1581Gly; replaces arginine 1581 with glycine.
Molecular consequence: missense variant.
Genome position (GRCh38, 1-based): chr9:93,289,495, A>G. VCF-style: chr9-93289495-A-G. GRCh37 (hg19) VCF-style: chr9-96051777-A-G.
Other names: c.4852A>G, p.Arg1618Gly (NM_001282394.3); short protein forms R1581G, R1618G.
Identifiers: ClinVar variation 3982115 (VCV003982115.1).

ClinVar aggregate classification (germline): Uncertain significance (1 of 4 stars; one submission).

gnomAD v4.1: 2 of 1,608,388 alleles (0.00012%); highest among the groups gnomAD compares: Non-Finnish European, 0.00017%; no homozygotes.

Submission:

Ambry Genetics
Classification: Uncertain significance. Last evaluated: 2025-05-25. Review status: criteria provided, single submitter. Criteria: Ambry Variant Classification Scheme 2023. Collection method: clinical testing. Allele origin: germline.
Comment: The p.R1581G variant (also known as c.4741A>G), located in coding exon 19 of the WNK2 gene, results from an A to G substitution at nucleotide position 4741. The arginine at codon 1581 is replaced by glycine, an amino acid with dissimilar properties. This amino acid position is conserved. In addition, this alteration is predicted to be tolerated by in silico analysis. Based on the available evidence, the clinical significance of this variant remains unclear.